The following is an entry in ClinVar:

NM_004036.5(ADCY3):c.3079C>T (p.Leu1027Phe)

Genes: ADCY3 (adenylate cyclase 3; minus strand), CENPO (centromere protein O; plus strand). Cytogenetic location: 2p23.3.
Variant type: single nucleotide variant.
Coding change: c.3079C>T on transcript NM_004036.5 (MANE Select); coding-DNA position 3079, C replaced by T.
Protein change: p.Leu1027Phe; replaces leucine 1027 with phenylalanine.
Molecular consequence: missense variant. On other transcripts: 3 prime UTR variant (3), non-coding transcript variant (3).
Genome position (GRCh38, 1-based): chr2:24,821,565, G>A on the plus strand (C>T on the coding strand, the complement: ADCY3 is on the minus strand). VCF-style: chr2-24821565-G-A. GRCh37 (hg19) VCF-style: chr2-25044434-G-A.
Other names: c.3082C>T, p.Leu1028Phe (NM_001320613.2); c.3145C>T, p.Leu1049Phe (NM_001377128.1); c.2941C>T, p.Leu981Phe (NM_001377129.1); c.2527C>T, p.Leu843Phe (NM_001377130.1); c.2356C>T, p.Leu786Phe (NM_001377131.1); c.3079C>T, p.Leu1027Phe (NM_001377132.1); c.*2247G>A (NM_001199803.3, NM_001322101.2, NM_024322.4); c.3079C>T (NM_004036.3); short protein forms L1027F, L1028F, L1049F, L786F, L843F, L981F.
Identifiers: ClinVar variation 3351194 (VCV003351194.4).

ClinVar aggregate classification (germline): Uncertain significance. Review status: criteria provided, multiple submitters, no conflicts (2 of 4 stars). 3 submissions from 3 submitters: Uncertain significance (3). Last evaluated 2026-04-08.

Conditions:
ADCY3-related disorder. Also called: ADCY3-related condition.
Inborn genetic diseases. Identifiers: MedGen C0950123, MeSH D030342.

gnomAD v4.1: 2 of 1,614,170 alleles (0.00012%); highest among the groups gnomAD compares: Admixed American, 0.0017%; no homozygotes.

Submissions (3):

Ambry Genetics
Classification: Uncertain significance for Inborn genetic diseases. Last evaluated: 2026-04-08. Review status: criteria provided, single submitter. Criteria: Ambry Variant Classification Scheme 2023. Collection method: clinical testing. Allele origin: germline.

PreventionGenetics, part of Exact Sciences
Classification: Uncertain significance for ADCY3-related condition. Last evaluated: 2026-03-03. Review status: criteria provided, single submitter. Criteria: ACMG Guidelines, 2015. Collection method: clinical testing. Allele origin: germline.
Comment: The ADCY3 c.3082C>T variant is predicted to result in the amino acid substitution p.Leu1028Phe. To our knowledge, this variant has not been reported in the literature or in a large population database, indicating this variant is rare. At this time, the clinical significance of this variant is uncertain due to the absence of conclusive functional and genetic evidence.

Labcorp Genetics (formerly Invitae), Labcorp
Classification: Uncertain significance. Last evaluated: 2025-04-19. Review status: criteria provided, single submitter. Criteria: Invitae Variant Classification Sherloc (09022015). Collection method: clinical testing. Allele origin: germline.
Comment: This sequence change replaces leucine, which is neutral and non-polar, with phenylalanine, which is neutral and non-polar, at codon 1027 of the ADCY3 protein (p.Leu1027Phe). This variant is not present in population databases (gnomAD no frequency). This variant has not been reported in the literature in individuals affected with ADCY3-related conditions. ClinVar contains an entry for this variant (Variation ID: 3351194). Invitae Evidence Modeling of protein sequence and biophysical properties (such as structural, functional, and spatial information, amino acid conservation, physicochemical variation, residue mobility, and thermodynamic stability) indicates that this missense variant is expected to disrupt ADCY3 protein function with a positive predictive value of 80%. In summary, the available evidence is currently insufficient to determine the role of this variant in disease. Therefore, it has been classified as a Variant of Uncertain Significance.